The following is an entry in ClinVar:

NM_000535.7(PMS2):c.706-3del

Gene: PMS2 (PMS1 homolog 2, mismatch repair system component; minus strand). Cytogenetic location: 7p22.1.
Variant type: Deletion.
Coding change: c.706-3del on transcript NM_000535.7 (MANE Select); 3 bases into the intron before coding-DNA position 706, one base deleted (C; older notation c.706-3delC).
Molecular consequence: intron variant.
Genome position (GRCh38, 1-based): chr7:5,997,426, G deleted on the plus strand (C on the coding strand, the reverse complement: PMS2 is on the minus strand). VCF-style (leftmost placement, unchanged base first): chr7-5997425-TG-T. GRCh37 (hg19) VCF-style: chr7-6037056-TG-T.
Other names: c.388-3del (NM_001322008.2, NM_001322007.2); c.301-3del (NM_001322010.2, NM_001322004.2, NM_001322003.2 and 2 more transcripts); c.133-3del (NM_001322013.2); c.-228-3del (NM_001322012.2, NM_001322011.2); c.397-3del (NM_001322015.2); c.706-3del (NM_001322006.2, NM_001322014.2, NM_000535.6).
Identifiers: ClinVar variation 492289 (VCV000492289.6), dbSNP rs770480662, ClinGen allele CA153239806.

ClinVar aggregate classification (germline): Conflicting classifications of pathogenicity. Review status: criteria provided, conflicting classifications (1 of 4 stars). 3 submissions from 3 submitters: Uncertain significance (2); Likely benign (1). Last evaluated 2023-04-03.

Conditions:
Lynch syndrome. Identifiers: Orphanet 144, MedGen C4552100, MONDO:0005835. Disease mechanism: loss of function.
Hereditary cancer-predisposing syndrome. Also called: Hereditary neoplastic syndrome; Tumor predisposition; Hereditary Cancer Syndrome; Neoplastic Syndromes, Hereditary. Identifiers: Orphanet 140162, MedGen C0027672, MeSH D009386, MONDO:0015356.

Submissions (3):

All of Us Research Program, National Institutes of Health
Classification: Uncertain significance for Lynch syndrome. Last evaluated: 2023-04-03. Review status: criteria provided, single submitter. Criteria: ACMG Guidelines, 2015. Collection method: clinical testing. Allele origin: germline. Inheritance: Autosomal dominant inheritance. Observed: 2 variant alleles, 2 heterozygotes.
Comment: This study involves interpretation of variants in research participants for the purpose of population health screening. Participant phenotype was not available at the time of variant classification. Additional details can be found in publication PMID: 35346344, PMCID: PMC8962531

Quest Diagnostics Nichols Institute San Juan Capistrano
Classification: Uncertain significance. Last evaluated: 2019-05-28. Review status: criteria provided, single submitter. Criteria: Quest Diagnostics criteria. Collection method: clinical testing. Allele origin: germline.

Color Diagnostics, LLC DBA Color Health
Classification: Likely benign for Hereditary cancer-predisposing syndrome. Last evaluated: 2015-07-21. Review status: criteria provided, single submitter. Criteria: ACMG Guidelines, 2015. Collection method: clinical testing. Allele origin: germline.